The following is an entry in ClinVar:

NM_001005361.3(DNM2):c.1196+710G>A

Gene: DNM2 (dynamin 2; plus strand). Cytogenetic location: 19p13.2.
Variant type: single nucleotide variant.
Coding change: c.1196+710G>A on transcript NM_001005361.3 (MANE Select); 710 bases into the intron after coding-DNA position 1196, G replaced by A.
Molecular consequence: intron variant. On other transcripts: missense variant (3).
Genome position (GRCh38, 1-based): chr19:10,796,149, G>A. VCF-style: chr19-10796149-G-A. GRCh37 (hg19) VCF-style: chr19-10906825-G-A.
Other names: c.1285G>A, p.Asp429Asn (NM_001005360.3, NM_001190716.2, NM_004945.4); c.1196+710G>A (NM_001005362.3); short protein forms D429N.
Identifiers: ClinVar variation 890417 (VCV000890417.13), dbSNP rs140208362, ClinGen allele CA9201040.

ClinVar aggregate classification (germline): Conflicting classifications of pathogenicity. Review status: criteria provided, conflicting classifications (1 of 4 stars). 6 submissions from 5 submitters: Uncertain significance (3); Benign (2); Likely benign (1). Last evaluated 2026-09-15.

Conditions:
DNM2-related disorder. Also called: DNM2-related condition.
Inborn genetic diseases. Identifiers: MedGen C0950123, MeSH D030342.
Charcot-Marie-Tooth disease dominant intermediate B (CMTDIB). Also called: Charcot-Marie-Tooth disease dominant intermediate 1; CMT DI1; Charcot-Marie-Tooth disease dominant intermediate I; CHARCOT-MARIE-TOOTH NEUROPATHY, DOMINANT INTERMEDIATE B. Identifiers: Orphanet 100044, Orphanet 228179, MedGen C1847902, MONDO:0011674, OMIM 606482.
Autosomal dominant centronuclear myopathy. Also called: Myopathy, centronuclear, 3; MYOTUBULAR MYOPATHY, AUTOSOMAL DOMINANT. Identifiers: Orphanet 169189, MedGen C4551952, MeSH D020914, MONDO:0008048, OMIM 160150.

Allele frequency attached by ClinVar (database versions not stated): ExAC 0.00013; gnomAD 0.00002; TOPMed 0.00004; ESP Exome Variant Server 0.00008; gnomAD exomes 0.00008.
gnomAD v4.1: 87 of 1,613,998 alleles (0.0054%); highest among the groups gnomAD compares: Admixed American, 0.013%; no homozygotes.

Submissions (6):

PreventionGenetics, part of Exact Sciences
Classification: Uncertain significance for DNM2-related condition. Last evaluated: 2026-09-15. Review status: criteria provided, single submitter. Criteria: ACMG Guidelines, 2015. Collection method: clinical testing. Allele origin: germline.
Comment: The DNM2 c.1285G>A variant is predicted to result in the amino acid substitution p.Asp429Asn. To our knowledge, this variant has not been reported in the literature. This variant is reported in 0.011% of alleles in individuals of Latino descent in gnomAD. At this time, the clinical significance of this variant is uncertain due to the absence of conclusive functional and genetic evidence.

Labcorp Genetics (formerly Invitae), Labcorp
Classification: Uncertain significance for Charcot-Marie-Tooth disease dominant intermediate B. Last evaluated: 2025-12-15. Review status: criteria provided, single submitter. Criteria: Invitae Variant Classification Sherloc (09022015). Collection method: clinical testing. Allele origin: germline.
Comment: This sequence change replaces aspartic acid, which is acidic and polar, with asparagine, which is neutral and polar, at codon 429 of the DNM2 protein (p.Asp429Asn). This variant is present in population databases (rs140208362, gnomAD 0.01%), and has an allele count higher than expected for a pathogenic variant. This variant has not been reported in the literature in individuals affected with DNM2-related conditions. ClinVar contains an entry for this variant (Variation ID: 890417). Invitae Evidence Modeling of protein sequence and biophysical properties (such as structural, functional, and spatial information, amino acid conservation, physicochemical variation, residue mobility, and thermodynamic stability) has been performed for this missense variant. However, the output from this modeling did not meet the statistical confidence thresholds required to predict the impact of this variant on DNM2 protein function. In summary, the available evidence is currently insufficient to determine the role of this variant in disease. Therefore, it has been classified as a Variant of Uncertain Significance.

GeneDx
Classification: Uncertain significance. Last evaluated: 2022-09-19. Review status: criteria provided, single submitter. Criteria: GeneDx Variant Classification Process June 2021. Collection method: clinical testing. Allele origin: germline. Affected: yes.
Comment: Missense variants in this gene are often considered pathogenic (HGMD); In silico analysis supports that this missense variant has a deleterious effect on protein structure/function; Has not been previously published as pathogenic or benign to our knowledge; This variant is associated with the following publications: (PMID: 16227997)

Ambry Genetics
Classification: Likely benign for Inborn genetic diseases. Last evaluated: 2020-08-24. Review status: criteria provided, single submitter. Criteria: Ambry Variant Classification Scheme 2023. Collection method: clinical testing. Allele origin: germline.

Illumina Laboratory Services, Illumina
Classification: Benign for Charcot-Marie-Tooth disease dominant intermediate B. Last evaluated: 2018-01-13. Review status: criteria provided, single submitter. Criteria: ICSL Variant Classification Criteria 13 December 2019. Collection method: clinical testing. Allele origin: germline.
Comment: This variant was observed in the ICSL laboratory as part of a predisposition screen in an ostensibly healthy population. It had not been previously curated by ICSL or reported in the Human Gene Mutation Database (HGMD: prior to June 1st, 2018), and was therefore a candidate for classification through an automated scoring system. Utilizing variant allele frequency, disease prevalence and penetrance estimates, and inheritance mode, an automated score was calculated to assess if this variant is too frequent to cause the disease. Based on the score and internal cut-off values, a variant classified as benign is not then subjected to further curation. The score for this variant resulted in a classification of benign for this disease.

Illumina Laboratory Services, Illumina
Classification: Benign for Autosomal dominant centronuclear myopathy. Last evaluated: 2018-01-13. Review status: criteria provided, single submitter. Criteria: ICSL Variant Classification Criteria 13 December 2019. Collection method: clinical testing. Allele origin: germline.
Comment: the same text as in the submission from Illumina Laboratory Services, Illumina above.